The following is an entry in ClinVar:

ClinVar aggregate classification (germline): Uncertain significance (1 of 4 stars; one submission).

Conditions:
Tuberous sclerosis 2 (TSC2). Identifiers: Orphanet 805, MedGen C1860707, MONDO:0013199, OMIM 613254.

Submission:

Labcorp Genetics (formerly Invitae), Labcorp
Classification: Uncertain significance for Tuberous sclerosis 2. Last evaluated: 2025-02-12. Review status: criteria provided, single submitter. Criteria: Invitae Variant Classification Sherloc (09022015). Collection method: clinical testing. Allele origin: germline.
Comment: This sequence change replaces lysine, which is basic and polar, with glutamic acid, which is acidic and polar, at codon 7 of the TSC2 protein (p.Lys7Glu). This variant is not present in population databases (gnomAD no frequency). This variant has not been reported in the literature in individuals affected with TSC2-related conditions. Invitae Evidence Modeling of protein sequence and biophysical properties (such as structural, functional, and spatial information, amino acid conservation, physicochemical variation, residue mobility, and thermodynamic stability) indicates that this missense variant is not expected to disrupt TSC2 protein function with a negative predictive value of 95%. In summary, the available evidence is currently insufficient to determine the role of this variant in disease. Therefore, it has been classified as a Variant of Uncertain Significance.

NM_000548.5(TSC2):c.19A>G (p.Lys7Glu)

Gene: TSC2 (TSC complex subunit 2; plus strand). Cytogenetic location: 16p13.3.
Variant type: single nucleotide variant.
Coding change: c.19A>G on transcript NM_000548.5 (MANE Select); coding-DNA position 19, A replaced by G.
Protein change: p.Lys7Glu; replaces lysine 7 with glutamic acid.
Molecular consequence: missense variant. On other transcripts: intron variant (6), 5 prime UTR variant (19), non-coding transcript variant (5).
Genome position (GRCh38, 1-based): chr16:2,048,634, A>G. VCF-style: chr16-2048634-A-G. GRCh37 (hg19) VCF-style: chr16-2098635-A-G.
Other names: c.-10+569A>G (NM_001406677.1, NM_001406675.1, NM_001406676.1 and 2 more transcripts); c.-89+569A>G (NM_001406686.1); c.19A>G, p.Lys7Glu (NM_001077183.3, NM_001114382.3, NM_001318827.2 and 13 more transcripts); c.-208A>G (NM_001318831.2, NM_001406682.1, NM_001406684.1 and 2 more transcripts); c.52A>G, p.Lys18Glu (NM_001318832.2); c.-798A>G (NM_001406680.1, NM_001406683.1, NM_001406687.1); c.-427A>G (NM_001406681.1); c.-1413A>G (NM_001406689.1, NM_001406690.1, NM_001406691.1 and 2 more transcripts); and 4 more; short protein forms K18E, K7E.
Identifiers: ClinVar variation 4802826 (VCV004802826.1).